The following is an entry in ClinVar:

NM_013266.4(CTNNA3):c.2066C>T (p.Ala689Val)

Gene: CTNNA3 (catenin alpha 3; minus strand). Cytogenetic location: 10q21.3.
Variant type: single nucleotide variant.
Coding change: c.2066C>T on transcript NM_013266.4 (MANE Select); coding-DNA position 2066, C replaced by T.
Protein change: p.Ala689Val; replaces alanine 689 with valine.
Molecular consequence: missense variant.
Genome position (GRCh38, 1-based): chr10:66,069,401, G>A on the plus strand (C>T on the coding strand, the complement: CTNNA3 is on the minus strand). VCF-style: chr10-66069401-G-A. GRCh37 (hg19) VCF-style: chr10-67829159-G-A.
Other names: c.2066C>T, p.Ala689Val (NM_001127384.3); short protein forms A689V.
Identifiers: ClinVar variation 1006879 (VCV001006879.10), dbSNP rs150734357, ClinGen allele CA5519707.
Genomic context (GRCh38, chr10:66,069,401, plus strand): 5'-CACATGTTCTTGGCCAGAACAATGATGTCGTTGCTTGTATCATCCCATATCTCAATCTCA[G>A]CATCCAGCTTACTCTTTACTTTCTTGAAATCAGCAACTTGCTCAGCAATCTTTTCTTTTT-3'
Protein context (NP_037398.2, residues 679-699): DFKKVKSKLD[Ala689Val]EIEIWDDTSN

ClinVar aggregate classification (germline): Uncertain significance. Review status: criteria provided, single submitter (1 of 4 stars). 3 submissions from 3 submitters: Uncertain significance (1). 2 of the submissions do not count toward it. Last evaluated 2025-12-29.

Conditions:
Arrhythmogenic right ventricular dysplasia 13. Also called: Arrhythmogenic right ventricular dysplasia, familial, 13; ARRHYTHMOGENIC RIGHT VENTRICULAR CARDIOMYOPATHY 13. Identifiers: MedGen C3810138, MONDO:0000908, OMIM 615616.

Allele frequency attached by ClinVar (database versions not stated): gnomAD exomes 0.00013 and 0.00015; ExAC 0.00014; gnomAD 0.00014 and 0.00013; 1000 Genomes Project 30x 0.00016; 1000 Genomes Project 0.00020; ESP Exome Variant Server 0.00008; TOPMed 0.00012.
gnomAD v4.1: 246 of 1,613,438 alleles (0.015%); highest among the groups gnomAD compares: Non-Finnish European, 0.019%; no homozygotes.

Submissions (3):

Labcorp Genetics (formerly Invitae), Labcorp
Classification: Uncertain significance for Arrhythmogenic right ventricular dysplasia 13. Last evaluated: 2025-12-29. Review status: criteria provided, single submitter. Criteria: Invitae Variant Classification Sherloc (09022015). Collection method: clinical testing. Allele origin: germline.
Comment: This sequence change replaces alanine, which is neutral and non-polar, with valine, which is neutral and non-polar, at codon 689 of the CTNNA3 protein (p.Ala689Val). This variant is present in population databases (rs150734357, gnomAD 0.02%). This missense change has been observed in individual(s) with clinical features of arrhythmogenic right ventricular cardiomyopathy (PMID: 21254927). ClinVar contains an entry for this variant (Variation ID: 1006879). Invitae Evidence Modeling of protein sequence and biophysical properties (such as structural, functional, and spatial information, amino acid conservation, physicochemical variation, residue mobility, and thermodynamic stability) indicates that this missense variant is not expected to disrupt CTNNA3 protein function with a negative predictive value of 80%. In summary, the available evidence is currently insufficient to determine the role of this variant in disease. Therefore, it has been classified as a Variant of Uncertain Significance.

Clinical Genetics DNA and cytogenetics Diagnostics Lab, Erasmus MC, Erasmus Medical Center
Classification: Uncertain significance. Review status: no assertion criteria provided. Collection method: clinical testing. Allele origin: germline. Affected: yes. Study: VKGL Data-share Consensus. Not counted in ClinVar's aggregate classification.

Clinical Genetics, Academic Medical Center
Classification: Uncertain significance. Review status: no assertion criteria provided. Collection method: clinical testing. Allele origin: germline. Affected: yes. Study: VKGL Data-share Consensus. Not counted in ClinVar's aggregate classification.

Literature cited by the submitters: PubMed 21254927 (cited by Labcorp Genetics (formerly Invitae), Labcorp).